The following is an entry in ClinVar:

ClinVar aggregate classification (germline): Uncertain significance (1 of 4 stars; one submission).

gnomAD v4.1: 1 of 1,613,952 alleles (0.000062%); highest among the groups gnomAD compares: Non-Finnish European, 0.000085%; no homozygotes.

Submission:

GeneDx
Classification: Uncertain significance. Last evaluated: 2023-10-12. Review status: criteria provided, single submitter. Criteria: GeneDx Variant Classification Process June 2021. Collection method: clinical testing. Allele origin: germline. Affected: yes.
Comment: Has not been previously published as pathogenic or benign to our knowledge; Not observed at significant frequency in large population cohorts (gnomAD); In silico analysis supports that this missense variant has a deleterious effect on protein structure/function; Not located in one of the three hot-spot regions of the RYR2 gene, where the majority of pathogenic missense variants occur (PMID: 19926015); This variant is associated with the following publications: (PMID: 19926015)

NM_001035.3(RYR2):c.5873C>G (p.Thr1958Arg)

Gene: RYR2 (ryanodine receptor 2; plus strand). Cytogenetic location: 1q43.
Variant type: single nucleotide variant.
Coding change: c.5873C>G on transcript NM_001035.3 (MANE Select); coding-DNA position 5873, C replaced by G.
Protein change: p.Thr1958Arg; replaces threonine 1958 with arginine.
Molecular consequence: missense variant.
Genome position (GRCh38, 1-based): chr1:237,617,443, C>G. VCF-style: chr1-237617443-C-G. GRCh37 (hg19) VCF-style: chr1-237780743-C-G.
Other names: short protein forms T1958R.
Identifiers: ClinVar variation 3343063 (VCV003343063.1).
Genomic context (GRCh38, chr1:237,617,443, plus strand): 5'-ACAATCAACGTTTCCGATACAACGAAGTCATGCAAGCCTTAAACATGTCAGCTGCACTCA[C>G]AGCCAGGAAGACAAAGGAATTTAGATCACCACCTCAAGAACAGGTACAGAAATGAAATGA-3'
Protein context (NP_001026.2, residues 1948-1968): MQALNMSAAL[Thr1958Arg]ARKTKEFRSP